The following is an entry in ClinVar:

NM_001854.4(COL11A1):c.742C>T (p.Pro248Ser)

Gene: COL11A1 (collagen type XI alpha 1 chain; minus strand). Cytogenetic location: 1p21.1.
Variant type: single nucleotide variant.
Coding change: c.742C>T on transcript NM_001854.4 (MANE Select); coding-DNA position 742, C replaced by T.
Protein change: p.Pro248Ser; replaces proline 248 with serine.
Molecular consequence: missense variant. On other transcripts: non-coding transcript variant (1).
Genome position (GRCh38, 1-based): chr1:103,031,154, G>A on the plus strand (C>T on the coding strand, the complement: COL11A1 is on the minus strand). VCF-style: chr1-103031154-G-A. GRCh37 (hg19) VCF-style: chr1-103496710-G-A.
Other names: c.742C>T, p.Pro248Ser (NM_001168249.1, NM_001190709.2, NM_080629.3 and 1 more transcripts); short protein forms P248S.
Identifiers: ClinVar variation 2905083 (VCV002905083.3), dbSNP rs766981236, ClinGen allele CA975338.

ClinVar aggregate classification (germline): Uncertain significance (1 of 4 stars; one submission).

Allele frequency attached by ClinVar (database versions not stated): gnomAD exomes below 0.00001; ExAC 0.00001.
gnomAD v4.1: 5 of 1,613,014 alleles (0.00031%); highest among the groups gnomAD compares: African/African-American, 0.0013%; no homozygotes.

Submission:

Labcorp Genetics (formerly Invitae), Labcorp
Classification: Uncertain significance. Last evaluated: 2025-01-14. Review status: criteria provided, single submitter. Criteria: Invitae Variant Classification Sherloc (09022015). Collection method: clinical testing. Allele origin: germline.
Comment: This sequence change replaces proline, which is neutral and non-polar, with serine, which is neutral and polar, at codon 248 of the COL11A1 protein (p.Pro248Ser). This variant is not present in population databases (gnomAD no frequency). This variant has not been reported in the literature in individuals affected with COL11A1-related conditions. ClinVar contains an entry for this variant (Variation ID: 2905083). Invitae Evidence Modeling of protein sequence and biophysical properties (such as structural, functional, and spatial information, amino acid conservation, physicochemical variation, residue mobility, and thermodynamic stability) indicates that this missense variant is not expected to disrupt COL11A1 protein function with a negative predictive value of 95%. In summary, the available evidence is currently insufficient to determine the role of this variant in disease. Therefore, it has been classified as a Variant of Uncertain Significance.